The following is an entry in ClinVar:

NM_001386140.1(MTTP):c.206G>A (p.Trp69Ter)

Gene: MTTP (microsomal triglyceride transfer protein; plus strand). Cytogenetic location: 4q23.
Variant type: single nucleotide variant.
Coding change: c.206G>A on transcript NM_001386140.1 (MANE Select); coding-DNA position 206, G replaced by A.
Protein change: p.Trp69Ter; replaces tryptophan 69 with a stop codon.
Molecular consequence: nonsense. On other transcripts: 5 prime UTR variant (1).
Genome position (GRCh38, 1-based): chr4:99,582,049, G>A. VCF-style: chr4-99582049-G-A. GRCh37 (hg19) VCF-style: chr4-100503206-G-A.
Other names: c.206G>A, p.Trp69Ter (NM_000253.4); c.-44G>A (NM_001300785.2); short protein forms W69*.
Identifiers: ClinVar variation 5014799 (VCV005014799.1).

ClinVar aggregate classification (germline): Pathogenic (1 of 4 stars; one submission).

Conditions:
Abetalipoproteinaemia (ABL). Also called: MTP DEFICIENCY; Abetalipoproteinemia; Abetalipoproteinemia neuropathy; Apolipoprotein B deficiency; Congenital betalipoprotein deficiency syndrome. Identifiers: Orphanet 14, MedGen C0000744, MONDO:0008692, OMIM 200100, HP:0008181.

Submission:

Myriad Genetics, Inc.
Classification: Pathogenic for Abetalipoproteinaemia. Last evaluated: 2025-07-31. Review status: criteria provided, single submitter. Criteria: Myriad Autosomal Dominant, Autosomal Recessive and X-Linked Classification Criteria (2023). Collection method: clinical testing. Allele origin: unknown.
Comment: NM_000253.2(MTTP):c.206G>A(W69*) is expected to be pathogenic in the context of abetalipoproteinemia. This variant is predicted to lead to an abnormal or absent protein product due to the creation of a premature termination codon in MTTP, a gene where loss-of-function variants are known to be pathogenic. Please note: this variant was assessed in the context of healthy population screening.